The following is an entry in ClinVar:

NM_001267550.2(TTN):c.28446T>C (p.Ala9482=)

Gene: TTN (titin; minus strand). Cytogenetic location: 2q31.2.
Variant type: single nucleotide variant.
Coding change: c.28446T>C on transcript NM_001267550.2 (MANE Select); coding-DNA position 28446, T replaced by C.
Protein change: p.Ala9482=; no amino-acid change (alanine 9482 retained).
Molecular consequence: synonymous variant. On other transcripts: intron variant (3).
Genome position (GRCh38, 1-based): chr2:178,710,651, A>G on the plus strand (T>C on the coding strand, the complement: TTN is on the minus strand). VCF-style: chr2-178710651-A-G. GRCh37 (hg19) VCF-style: chr2-179575378-A-G.
Other names: c.27495T>C, p.Ala9165= (NM_001256850.1); c.24714T>C, p.Ala8238= (NM_133378.4); c.13282+27431T>C (NM_003319.4); c.13858+27431T>C (NM_133437.4); c.13657+27431T>C (NM_133432.3).
Identifiers: ClinVar variation 516435 (VCV000516435.47), dbSNP rs1270390229, ClinGen allele CA430283892.

ClinVar aggregate classification (germline): Likely benign. Review status: criteria provided, multiple submitters, no conflicts (2 of 4 stars). 4 submissions from 4 submitters: Likely benign (4). Last evaluated 2025-11-10.

Conditions:
Dilated cardiomyopathy 1G (CMD1G). Identifiers: Orphanet 154, MedGen C1858763, MONDO:0011400, OMIM 604145.
Autosomal recessive limb-girdle muscular dystrophy type 2J (LGMDR10). Also called: MUSCULAR DYSTROPHY, LIMB-GIRDLE, AUTOSOMAL RECESSIVE 10; Limb-girdle muscular dystrophy, type 2J. Identifiers: Orphanet 140922, MedGen C1837342, MONDO:0012127, OMIM 608807.

Allele frequency attached by ClinVar (database versions not stated): gnomAD 0.00001; gnomAD exomes 0.00002 and 0.00006.
gnomAD v4.1: 91 of 1,609,960 alleles (0.0057%); highest among the groups gnomAD compares: Non-Finnish European, 0.0072%; no homozygotes.

Submissions (4):

Labcorp Genetics (formerly Invitae), Labcorp
Classification: Likely benign for Dilated cardiomyopathy 1G; Autosomal recessive limb-girdle muscular dystrophy type 2J. Last evaluated: 2025-11-10. Review status: criteria provided, single submitter. Criteria: Invitae Variant Classification Sherloc (09022015). Collection method: clinical testing. Allele origin: germline.

CeGaT Center for Human Genetics Tuebingen
Classification: Likely benign. Last evaluated: 2022-12-01. Review status: criteria provided, single submitter. Criteria: CeGaT Center For Human Genetics Tuebingen Variant Classification Criteria Version 2. Collection method: clinical testing. Allele origin: germline. Affected: yes. Observed: 3 variant alleles.
Comment: TTN: BP4, BP7

Blueprint Genetics
Classification: Likely benign. Last evaluated: 2022-06-22. Review status: criteria provided, single submitter. Criteria: ACMG Guidelines, 2015. Collection method: clinical testing. Allele origin: germline.

GeneDx
Classification: Likely benign. Last evaluated: 2017-04-11. Review status: criteria provided, single submitter. Criteria: GeneDx Variant Classification (06012015). Collection method: clinical testing. Allele origin: germline. Affected: yes.
Comment: This variant is considered likely benign or benign based on one or more of the following criteria: it is a conservative change, it occurs at a poorly conserved position in the protein, it is predicted to be benign by multiple in silico algorithms, and/or has population frequency not consistent with disease.